The following is an entry in ClinVar:

ClinVar aggregate classification (germline): Uncertain significance (1 of 4 stars; one submission).

Conditions:
Cardiovascular phenotype. Identifiers: MedGen CN230736.

Allele frequency attached by ClinVar (database versions not stated): TOPMed 0.00001; gnomAD exomes 0.00001.
gnomAD v4.1: 11 of 1,614,114 alleles (0.00068%); highest among the groups gnomAD compares: Non-Finnish European, 0.00093%; no homozygotes.

Submission:

Ambry Genetics
Classification: Uncertain significance for Cardiovascular phenotype. Last evaluated: 2025-11-15. Review status: criteria provided, single submitter. Criteria: Ambry Variant Classification Scheme 2023. Collection method: clinical testing. Allele origin: germline.
Comment: The p.A976S variant (also known as c.2926G>T), located in coding exon 27 of the ANK2 gene, results from a G to T substitution at nucleotide position 2926. The alanine at codon 976 is replaced by serine, an amino acid with similar properties. This amino acid position is highly conserved in available vertebrate species. In addition, the in silico prediction for this alteration is inconclusive. Since supporting evidence is limited at this time, the clinical significance of this alteration remains unclear.

NM_001148.6(ANK2):c.2926G>T (p.Ala976Ser)

Gene: ANK2 (ankyrin 2; plus strand). Cytogenetic location: 4q26.
Variant type: single nucleotide variant.
Coding change: c.2926G>T on transcript NM_001148.6 (MANE Select); coding-DNA position 2926, G replaced by T.
Protein change: p.Ala976Ser; replaces alanine 976 with serine.
Molecular consequence: missense variant.
Genome position (GRCh38, 1-based): chr4:113,330,271, G>T. VCF-style: chr4-113330271-G-T. GRCh37 (hg19) VCF-style: chr4-114251427-G-T.
Other names: c.2899G>T, p.Ala967Ser (NM_001127493.3); c.2938G>T, p.Ala980Ser (NM_001354225.2); c.2926G>T, p.Ala976Ser (NM_001354228.2, NM_001354258.2, NM_020977.5); c.3004G>T, p.Ala1002Ser (NM_001354230.2, NM_001354237.2); c.2968G>T, p.Ala990Ser (NM_001354231.2, NM_001354242.2); c.2962G>T, p.Ala988Ser (NM_001354232.2); c.2923G>T, p.Ala975Ser (NM_001354235.2, NM_001354236.2, NM_001354246.2 and 1 more transcripts); c.2896G>T, p.Ala966Ser (NM_001354239.2, NM_001354252.2, NM_001354272.2); and 23 more; short protein forms A881S, A942S, A947S, A964S, A991S, A1002S, A1023S, A185S.
Identifiers: ClinVar variation 1797751 (VCV001797751.3), dbSNP rs977347770, ClinGen allele CA103822570.
Genomic context (GRCh38, chr4:113,330,271, plus strand): 5'-TCAAAACATATCTAATCTTCTATTTTAATTTTTAGTTTCCTGGTTAGTTTTATGGTGGAT[G>T]CCCGAGGTGGTGCTATGCGAGGATGCAGACACAATGGGCTCCGAATCATTATTCCACCTC-3'
Protein context (NP_001139.3, residues 966-986): SGFLVSFMVD[Ala976Ser]RGGAMRGCRH